The following is an entry in ClinVar:

ClinVar aggregate classification (germline): Likely pathogenic (1 of 4 stars; one submission).

Allele frequency attached by ClinVar (database versions not stated): TOPMed below 0.00001; ESP Exome Variant Server 0.00008.

Submission:

Labcorp Genetics (formerly Invitae), Labcorp
Classification: Likely pathogenic. Last evaluated: 2025-04-03. Review status: criteria provided, single submitter. Criteria: Invitae Variant Classification Sherloc (09022015). Collection method: clinical testing. Allele origin: germline.
Comment: This sequence change affects an acceptor splice site in intron 20 of the NBAS gene. It is expected to disrupt RNA splicing. Variants that disrupt the donor or acceptor splice site typically lead to a loss of protein function (PMID: 16199547), and loss-of-function variants in NBAS are known to be pathogenic (PMID: 26073778, 26541327, 27789416, 28031453). This variant is not present in population databases (gnomAD no frequency). This variant has not been reported in the literature in individuals affected with NBAS-related conditions. ClinVar contains an entry for this variant (Variation ID: 2996472). Algorithms developed to predict the effect of sequence changes on RNA splicing suggest that this variant may disrupt the consensus splice site. In summary, the currently available evidence indicates that the variant is pathogenic, but additional data are needed to prove that conclusively. Therefore, this variant has been classified as Likely Pathogenic.

Literature cited by the submitters: PubMed 16199547; PubMed 26073778; PubMed 26541327; PubMed 27789416; PubMed 28031453.

NM_015909.4(NBAS):c.2203-2A>T

Gene: NBAS (NBAS subunit of NRZ tethering complex; minus strand). Cytogenetic location: 2p24.3.
Variant type: single nucleotide variant.
Coding change: c.2203-2A>T on transcript NM_015909.4 (MANE Select); the canonical splice acceptor site of the intron before coding-DNA position 2203, A replaced by T.
Molecular consequence: splice acceptor variant.
Genome position (GRCh38, 1-based): chr2:15,461,339, T>A on the plus strand (A>T on the coding strand, the complement: NBAS is on the minus strand). VCF-style: chr2-15461339-T-A. GRCh37 (hg19) VCF-style: chr2-15601463-T-A.
Identifiers: ClinVar variation 2996472 (VCV002996472.3), dbSNP rs145991486, ClinGen allele CA42621778.
Genomic context (GRCh38, chr2:15,461,339, plus strand): 5'-GGAAGCAGGTCGGAACCATGGTAAGTAAACAGAATTTCCAGGGCTTGTACATTACTTTCC[T>A]GTACAAAAGGCAAGGGGTAAGTTTCTAATGTAAATCTAAGAAATAAAGGAGTGATTTTAT-3'